The following is an entry in ClinVar:

ClinVar aggregate classification (germline): Pathogenic. Review status: criteria provided, single submitter (1 of 4 stars). 2 submissions from 2 submitters: Pathogenic (1). 1 of the submissions does not count toward it. Last evaluated 2023-05-05.

Conditions:
Marfan syndrome (MFS). Also called: Marfan syndrome type 1; Marfan syndrome, classic; Marfan's syndrome; FBN1-Related Marfan Syndrome; MARFAN SYNDROME, TYPE I. Identifiers: Orphanet 284963, Orphanet 558, MedGen C0024796, MONDO:0007947, OMIM 154700.
Familial thoracic aortic aneurysm and aortic dissection (TAAD). Also called: Thoracic aortic aneurysms and dissections. Identifiers: Orphanet 91387, MedGen C4707243, MONDO:0019625.

Submissions (2):

Labcorp Genetics (formerly Invitae), Labcorp
Classification: Pathogenic for Marfan syndrome; Familial thoracic aortic aneurysm and aortic dissection. Last evaluated: 2023-05-05. Review status: criteria provided, single submitter. Criteria: Invitae Variant Classification Sherloc (09022015). Collection method: clinical testing. Allele origin: germline.
Comment: For these reasons, this variant has been classified as Pathogenic. ClinVar contains an entry for this variant (Variation ID: 549113). This premature translational stop signal has been observed in individual(s) with clinical features of Marfan syndrome (Invitae). This variant is not present in population databases (gnomAD no frequency). This sequence change creates a premature translational stop signal (p.Ser932Hisfs*10) in the FBN1 gene. It is expected to result in an absent or disrupted protein product. Loss-of-function variants in FBN1 are known to be pathogenic (PMID: 17657824, 19293843).

Center for Medical Genetics Ghent, University of Ghent
Classification: Pathogenic for Marfan syndrome. Last evaluated: 2017-11-07. Review status: no assertion criteria provided. Collection method: clinical testing. Allele origin: germline. Affected: yes. Not counted in ClinVar's aggregate classification.

Literature cited by the submitters: PubMed 17657824 (cited by Labcorp Genetics (formerly Invitae), Labcorp); PubMed 19293843 (cited by Labcorp Genetics (formerly Invitae), Labcorp).

NM_000138.5(FBN1):c.2793del (p.Ser932fs)

Gene: FBN1 (fibrillin 1; minus strand). Cytogenetic location: 15q21.1.
Variant type: Deletion.
Coding change: c.2793del on transcript NM_000138.5 (MANE Select); coding-DNA position 2793, one base deleted (G; older notation c.2793delG).
Protein change: p.Ser932fs; shifts the reading frame from serine 932.
Molecular consequence: frameshift variant.
Genome position (GRCh38, 1-based): chr15:48,492,522, C deleted on the plus strand (G on the coding strand, the reverse complement: FBN1 is on the minus strand); the first of 5 consecutive C bases (chr15:48,492,522-48,492,526); deleting any one gives the same sequence. VCF-style (leftmost placement, unchanged base first): chr15-48492521-AC-A. GRCh37 (hg19) VCF-style: chr15-48784718-AC-A.
Other names: c.2793delG (NM_000138.4).
Identifiers: ClinVar variation 549113 (VCV000549113.9), dbSNP rs778900586, ClinGen allele CA048882.